The following is an entry in ClinVar:

ClinVar aggregate classification (germline): Uncertain significance. Review status: criteria provided, multiple submitters, no conflicts (2 of 4 stars). 2 submissions from 2 submitters: Uncertain significance (2). Last evaluated 2025-10-22.

Allele frequency attached by ClinVar (database versions not stated): TOPMed below 0.00001; gnomAD 0.00001.
gnomAD v4.1: 19 of 1,551,572 alleles (0.0012%); highest among the groups gnomAD compares: East Asian, 0.0024%; no homozygotes.

Submissions (2):

Labcorp Genetics (formerly Invitae), Labcorp
Classification: Uncertain significance. Last evaluated: 2025-10-22. Review status: criteria provided, single submitter. Criteria: Invitae Variant Classification Sherloc (09022015). Collection method: clinical testing. Allele origin: germline.
Comment: This sequence change replaces valine, which is neutral and non-polar, with methionine, which is neutral and non-polar, at codon 1426 of the TET2 protein (p.Val1426Met). This variant is present in population databases (no rsID available, gnomAD 0.004%). This variant has not been reported in the literature in individuals affected with TET2-related conditions. ClinVar contains an entry for this variant (Variation ID: 1711926). An algorithm developed to predict the effect of missense changes on protein structure and function outputs the following: PolyPhen-2: "Benign". The methionine amino acid residue is found in multiple mammalian species, which suggests that this missense change does not adversely affect protein function. In summary, the available evidence is currently insufficient to determine the role of this variant in disease. Therefore, it has been classified as a Variant of Uncertain Significance.

GeneDx
Classification: Uncertain significance. Last evaluated: 2022-04-09. Review status: criteria provided, single submitter. Criteria: GeneDx Variant Classification Process June 2021. Collection method: clinical testing. Allele origin: germline. Affected: yes.
Comment: In silico analysis supports that this missense variant does not alter protein structure/function; Has not been previously published as pathogenic or benign to our knowledge

NM_001127208.3(TET2):c.4276G>A (p.Val1426Met)

Genes: TET2 (tet methylcytosine dioxygenase 2; plus strand), TET2-AS1 (TET2 antisense RNA 1; minus strand). Cytogenetic location: 4q24.
Variant type: single nucleotide variant.
Coding change: c.4276G>A on transcript NM_001127208.3 (MANE Select); coding-DNA position 4276, G replaced by A.
Protein change: p.Val1426Met; replaces valine 1426 with methionine.
Molecular consequence: missense variant.
Genome position (GRCh38, 1-based): chr4:105,272,657, G>A. VCF-style: chr4-105272657-G-A. GRCh37 (hg19) VCF-style: chr4-106193814-G-A.
Other names: short protein forms V1426M.
Identifiers: ClinVar variation 1711926 (VCV001711926.3), dbSNP rs1355157024, ClinGen allele CA357811334.